The following is an entry in ClinVar:

ClinVar aggregate classification (germline): Uncertain significance. Review status: criteria provided, multiple submitters, no conflicts (2 of 4 stars). 2 submissions from 2 submitters: Uncertain significance (2). Last evaluated 2025-11-27.

Conditions:
Cardiovascular phenotype. Identifiers: MedGen CN230736.
Long QT syndrome (LQTS). Identifiers: MedGen C0023976, MeSH D008133, MONDO:0002442. Disease mechanism: loss of function. Inheritance: Various modes of inheritance.

Allele frequency attached by ClinVar (database versions not stated): ExAC 0.00001; gnomAD 0.00001; TOPMed 0.00001.
gnomAD v4.1: 2 of 1,614,068 alleles (0.00012%); highest among the groups gnomAD compares: Non-Finnish European, 0.000085%; no homozygotes.

Submissions (2):

Labcorp Genetics (formerly Invitae), Labcorp
Classification: Uncertain significance for Long QT syndrome. Last evaluated: 2025-11-27. Review status: criteria provided, single submitter. Criteria: Invitae Variant Classification Sherloc (09022015). Collection method: clinical testing. Allele origin: germline.
Comment: This sequence change replaces asparagine, which is neutral and polar, with aspartic acid, which is acidic and polar, at codon 3956 of the ANK2 protein (p.Asn3956Asp). The frequency data for this variant in the population databases is considered unreliable, as metrics indicate poor data quality at this position in the gnomAD database. This variant has not been reported in the literature in individuals affected with ANK2-related conditions. ClinVar contains an entry for this variant (Variation ID: 1743423). An algorithm developed to predict the effect of missense changes on protein structure and function outputs the following: PolyPhen-2: "Benign". The aspartic acid amino acid residue is found in multiple mammalian species, which suggests that this missense change does not adversely affect protein function. In summary, the available evidence is currently insufficient to determine the role of this variant in disease. Therefore, it has been classified as a Variant of Uncertain Significance.

Ambry Genetics
Classification: Uncertain significance for Cardiovascular phenotype. Last evaluated: 2024-11-18. Review status: criteria provided, single submitter. Criteria: Ambry Variant Classification Scheme 2023. Collection method: clinical testing. Allele origin: germline.
Comment: The p.N3956D variant (also known as c.11866A>G), located in coding exon 46 of the ANK2 gene, results from an A to G substitution at nucleotide position 11866. The asparagine at codon 3956 is replaced by aspartic acid, an amino acid with highly similar properties. This amino acid position is not well conserved in available vertebrate species, and aspartic acid is the reference amino acid in other vertebrate species. In addition, this alteration is predicted to be tolerated by in silico analysis. Since supporting evidence is limited at this time, the clinical significance of this alteration remains unclear.

NM_001148.6(ANK2):c.11866A>G (p.Asn3956Asp)

Gene: ANK2 (ankyrin 2; plus strand). Cytogenetic location: 4q26.
Variant type: single nucleotide variant.
Coding change: c.11866A>G on transcript NM_001148.6 (MANE Select); coding-DNA position 11866, A replaced by G.
Protein change: p.Asn3956Asp; replaces asparagine 3956 with aspartic acid.
Molecular consequence: missense variant. On other transcripts: synonymous variant (2).
Genome position (GRCh38, 1-based): chr4:113,381,463, A>G. VCF-style: chr4-113381463-A-G. GRCh37 (hg19) VCF-style: chr4-114302619-A-G.
Other names: c.5584A>G, p.Asn1862Asp (NM_001127493.3); c.5806A>G, p.Asn1936Asp (NM_001354225.2); c.5788A>G, p.Asn1930Asp (NM_001354228.2); c.5773A>G, p.Asn1925Asp (NM_001354230.2); c.5746A>G, p.Asn1916Asp (NM_001354231.2); c.5740A>G, p.Asn1914Asp (NM_001354232.2); c.5701A>G, p.Asn1901Asp (NM_001354235.2); c.5692A>G, p.Asn1898Asp (NM_001354236.2); and 57 more; short protein forms N1047D, N1108D, N1688D, N1762D, N1784D, N1793D, N1807D, N1816D.
Identifiers: ClinVar variation 1743423 (VCV001743423.8), dbSNP rs748565602, ClinGen allele CA3052445.